The following is an entry in ClinVar:

NM_001458.5(FLNC):c.3965G>A (p.Gly1322Asp)

Gene: FLNC (filamin C; plus strand). Cytogenetic location: 7q32.1.
Variant type: single nucleotide variant.
Coding change: c.3965G>A on transcript NM_001458.5 (MANE Select); coding-DNA position 3965, G replaced by A.
Protein change: p.Gly1322Asp; replaces glycine 1322 with aspartic acid.
Molecular consequence: missense variant.
Genome position (GRCh38, 1-based): chr7:128,846,301, G>A. VCF-style: chr7-128846301-G-A. GRCh37 (hg19) VCF-style: chr7-128486355-G-A.
Other names: c.3965G>A, p.Gly1322Asp (NM_001127487.2); short protein forms G1322D.
Identifiers: ClinVar variation 2450890 (VCV002450890.4), dbSNP rs2536641810, ClinGen allele CA369198837.

ClinVar aggregate classification (germline): Uncertain significance. Review status: criteria provided, multiple submitters, no conflicts (2 of 4 stars). 2 submissions from 2 submitters: Uncertain significance (2). Last evaluated 2025-02-03.

Conditions:
Distal myopathy with posterior leg and anterior hand involvement. Also called: WILLIAMS DISTAL MYOPATHY. Identifiers: Orphanet 63273, MedGen C3279722, MONDO:0013550, OMIM 614065.
Hypertrophic cardiomyopathy 26. Also called: Cardiomyopathy, familial hypertrophic, 26. Identifiers: Orphanet 75249, MedGen C4310749, MONDO:0014883, OMIM 617047.
Myofibrillar myopathy 5. Also called: FILAMINOPATHY, AUTOSOMAL DOMINANT; Filaminopathy (type). Identifiers: Orphanet 171445, MedGen C1836050, MONDO:0012289, OMIM 609524.
Cardiovascular phenotype. Identifiers: MedGen CN230736.

Submissions (2):

Labcorp Genetics (formerly Invitae), Labcorp
Classification: Uncertain significance for Distal myopathy with posterior leg and anterior hand involvement; Myofibrillar myopathy 5; Hypertrophic cardiomyopathy 26. Last evaluated: 2025-02-03. Review status: criteria provided, single submitter. Criteria: Invitae Variant Classification Sherloc (09022015). Collection method: clinical testing. Allele origin: germline.
Comment: This sequence change replaces glycine, which is neutral and non-polar, with aspartic acid, which is acidic and polar, at codon 1322 of the FLNC protein (p.Gly1322Asp). This variant is not present in population databases (gnomAD no frequency). This variant has not been reported in the literature in individuals affected with FLNC-related conditions. ClinVar contains an entry for this variant (Variation ID: 2450890). An algorithm developed to predict the effect of missense changes on protein structure and function (PolyPhen-2) suggests that this variant is likely to be disruptive. In summary, the available evidence is currently insufficient to determine the role of this variant in disease. Therefore, it has been classified as a Variant of Uncertain Significance.

Ambry Genetics
Classification: Uncertain significance for Cardiovascular phenotype. Last evaluated: 2022-12-25. Review status: criteria provided, single submitter. Criteria: Ambry Variant Classification Scheme 2023. Collection method: clinical testing. Allele origin: germline.
Comment: The p.G1322D variant (also known as c.3965G>A) is located in coding exon 23 of the FLNC gene. The glycine at codon 1322 is replaced by aspartic acid, an amino acid with similar properties. This change occurs in the first base pair of coding exon 23. This amino acid position is conserved. In addition, this alteration is predicted to be deleterious by in silico analysis. Since supporting evidence is limited at this time, the clinical significance of this alteration remains unclear.